The following is an entry in ClinVar:

NM_000426.4(LAMA2):c.6229G>A (p.Ala2077Thr)

Genes: LAMA2 (laminin subunit alpha 2; plus strand), LOC123864065 (Sharpr-MPRA regulatory region 661; plus strand). Cytogenetic location: 6q22.33.
Variant type: single nucleotide variant.
Coding change: c.6229G>A on transcript NM_000426.4 (MANE Select); coding-DNA position 6229, G replaced by A.
Protein change: p.Ala2077Thr; replaces alanine 2077 with threonine.
Molecular consequence: missense variant.
Genome position (GRCh38, 1-based): chr6:129,440,959, G>A. VCF-style: chr6-129440959-G-A. GRCh37 (hg19) VCF-style: chr6-129762104-G-A.
Other names: c.6229G>A, p.Ala2077Thr (NM_001079823.2); short protein forms A2077T.
Identifiers: ClinVar variation 440937 (VCV000440937.18), dbSNP rs142264176, ClinGen allele CA3994141.

ClinVar aggregate classification (germline): Conflicting classifications of pathogenicity. Review status: criteria provided, conflicting classifications (1 of 4 stars). 3 submissions from 3 submitters: Uncertain significance (2); Likely benign (1). Last evaluated 2026-01-28.

Conditions:
LAMA2-related muscular dystrophy (LAMA2-RD). Also called: Laminin alpha 2-related dystrophy. Identifiers: MedGen C5679788, MONDO:0100228.
Merosin deficient congenital muscular dystrophy (MDC1A). Also called: Congenital Muscular Dystrophy Type 1A (MDC1A); Congenital merosin-deficient muscular dystrophy 1A. Identifiers: Orphanet 258, MedGen C1263858, MONDO:0011925, OMIM 607855.

Allele frequency attached by ClinVar (database versions not stated): ExAC 0.00007; gnomAD exomes 0.00009 and 0.00029; TOPMed 0.00022; gnomAD 0.00025 and 0.00026; ESP Exome Variant Server 0.00046.
gnomAD v4.1: 464 of 1,613,632 alleles (0.029%); highest among the groups gnomAD compares: Non-Finnish European, 0.036%; no homozygotes.

Submissions (3):

Labcorp Genetics (formerly Invitae), Labcorp
Classification: Likely benign for LAMA2-related muscular dystrophy. Last evaluated: 2026-01-28. Review status: criteria provided, single submitter. Criteria: Invitae Variant Classification Sherloc (09022015). Collection method: clinical testing. Allele origin: germline.

Revvity Omics, Revvity
Classification: Uncertain significance. Last evaluated: 2024-02-19. Review status: criteria provided, single submitter. Criteria: ACMG Guidelines, 2015. Collection method: clinical testing. Allele origin: germline.

Genetic Services Laboratory, University of Chicago
Classification: Uncertain significance. Last evaluated: 2018-11-08. Review status: criteria provided, single submitter. Criteria: ACMG Guidelines, 2015. Collection method: clinical testing. Allele origin: germline. Affected: no.